The following is an entry in ClinVar:

ClinVar aggregate classification (germline): Uncertain significance (1 of 4 stars; one submission).

gnomAD v4.1: 14 of 1,612,462 alleles (0.00087%); highest among the groups gnomAD compares: Non-Finnish European, 0.0012%; no homozygotes.

Submission:

Labcorp Genetics (formerly Invitae), Labcorp
Classification: Uncertain significance. Last evaluated: 2024-05-02. Review status: criteria provided, single submitter. Criteria: Invitae Variant Classification Sherloc (09022015). Collection method: clinical testing. Allele origin: germline.
Comment: This sequence change replaces alanine, which is neutral and non-polar, with glycine, which is neutral and non-polar, at codon 4895 of the HMCN1 protein (p.Ala4895Gly). This variant is present in population databases (rs768684510, gnomAD 0.0009%). This variant has not been reported in the literature in individuals affected with HMCN1-related conditions. An algorithm developed to predict the effect of missense changes on protein structure and function (PolyPhen-2) suggests that this variant is likely to be disruptive. In summary, the available evidence is currently insufficient to determine the role of this variant in disease. Therefore, it has been classified as a Variant of Uncertain Significance.

NM_031935.3(HMCN1):c.14684C>G (p.Ala4895Gly)

Gene: HMCN1 (hemicentin 1; plus strand). Cytogenetic location: 1q31.1.
Variant type: single nucleotide variant.
Coding change: c.14684C>G on transcript NM_031935.3 (MANE Select); coding-DNA position 14684, C replaced by G.
Protein change: p.Ala4895Gly; replaces alanine 4895 with glycine.
Molecular consequence: missense variant.
Genome position (GRCh38, 1-based): chr1:186,151,275, C>G. VCF-style: chr1-186151275-C-G. GRCh37 (hg19) VCF-style: chr1-186120407-C-G.
Other names: short protein forms A4895G.
Identifiers: ClinVar variation 3701467 (VCV003701467.2).
Genomic context (GRCh38, chr1:186,151,275, plus strand): 5'-CCAGAGGAAGTGTTATTGGAAATATTAATGATGTTGAATTTGGAATTGCTTTCCTTAATG[C>G]CACAATAACTGATAGCCCTAACTCTGATACTAGAATAATACGTGCCAAAATTACCAATGT-3'
Protein context (NP_114141.2, residues 4885-4905): DVEFGIAFLN[Ala4895Gly]TITDSPNSDT